The following is an entry in ClinVar:

ClinVar aggregate classification (germline): Likely benign. Review status: criteria provided, single submitter (1 of 4 stars). 2 submissions from 2 submitters: Likely benign (1). 1 of the submissions does not count toward it. Last evaluated 2017-12-01.

Conditions:
ATIC-related disorder. Also called: ATIC-related condition.

Allele frequency attached by ClinVar (database versions not stated): gnomAD 0.00002 and 0.00003; gnomAD exomes 0.00002 and 0.00014; TOPMed 0.00005; ExAC 0.00011; 1000 Genomes Project 30x 0.00031; 1000 Genomes Project 0.00040.
gnomAD v4.1: 43 of 1,608,360 alleles (0.0027%); highest among the groups gnomAD compares: East Asian, 0.065%; no homozygotes.

Submissions (2):

Labcorp Genetics (formerly Invitae), Labcorp
Classification: Likely benign. Last evaluated: 2017-12-01. Review status: criteria provided, single submitter. Criteria: Invitae Variant Classification Sherloc (09022015). Collection method: clinical testing. Allele origin: germline.

PreventionGenetics, part of Exact Sciences
Classification: Likely benign for ATIC-related condition. Last evaluated: 2019-02-28. Review status: no assertion criteria provided. Collection method: clinical testing. Allele origin: germline. Not counted in ClinVar's aggregate classification.
Comment: This variant is classified as likely benign based on ACMG/AMP sequence variant interpretation guidelines (Richards et al. 2015 PMID: 25741868, with internal and published modifications).

NM_004044.7(ATIC):c.1014T>C (p.Ser338=)

Gene: ATIC (5-aminoimidazole-4-carboxamide ribonucleotide formyltransferase/IMP cyclohydrolase; plus strand). Cytogenetic location: 2q35.
Variant type: single nucleotide variant.
Coding change: c.1014T>C on transcript NM_004044.7 (MANE Select); coding-DNA position 1014, T replaced by C.
Protein change: p.Ser338=; no amino-acid change (serine 338 retained).
Molecular consequence: synonymous variant.
Genome position (GRCh38, 1-based): chr2:215,336,040, T>C. VCF-style: chr2-215336040-T-C. GRCh37 (hg19) VCF-style: chr2-216200763-T-C.
Identifiers: ClinVar variation 730029 (VCV000730029.5), dbSNP rs201424787, ClinGen allele CA2093180.